The following is an entry in ClinVar:

ClinVar aggregate classification (germline): Uncertain significance (1 of 4 stars; one submission).

gnomAD v4.1: 3 of 1,614,070 alleles (0.00019%); highest among the groups gnomAD compares: Admixed American, 0.0033%; no homozygotes.

Submission:

Labcorp Genetics (formerly Invitae), Labcorp
Classification: Uncertain significance. Last evaluated: 2022-09-16. Review status: criteria provided, single submitter. Criteria: Invitae Variant Classification Sherloc (09022015). Collection method: clinical testing. Allele origin: germline.
Comment: In summary, the available evidence is currently insufficient to determine the role of this variant in disease. Therefore, it has been classified as a Variant of Uncertain Significance. Algorithms developed to predict the effect of missense changes on protein structure and function are either unavailable or do not agree on the potential impact of this missense change (SIFT: "Deleterious"; PolyPhen-2: "Benign"; Align-GVGD: "Class C0"). This variant has not been reported in the literature in individuals affected with DIP2C-related conditions. This variant is not present in population databases (gnomAD no frequency). This sequence change replaces valine, which is neutral and non-polar, with leucine, which is neutral and non-polar, at codon 789 of the DIP2C protein (p.Val789Leu).

NM_014974.3(DIP2C):c.2365G>C (p.Val789Leu)

Genes: DIP2C (DIP2 acetate--CoA ligase C (putative); minus strand), LOC126860806 (MED14-independent group 3 enhancer GRCh37_chr10:409736-410935; plus strand). Cytogenetic location: 10p15.3.
Variant type: single nucleotide variant.
Coding change: c.2365G>C on transcript NM_014974.3 (MANE Select); coding-DNA position 2365, G replaced by C.
Protein change: p.Val789Leu; replaces valine 789 with leucine.
Molecular consequence: missense variant.
Genome position (GRCh38, 1-based): chr10:364,486, C>G on the plus strand (G>C on the coding strand, the complement: DIP2C is on the minus strand). VCF-style: chr10-364486-C-G. GRCh37 (hg19) VCF-style: chr10-410426-C-G.
Other names: short protein forms V789L.
Identifiers: ClinVar variation 1952714 (VCV001952714.5), dbSNP rs192980741, ClinGen allele CA375833518.